The following is an entry in ClinVar:

NM_005876.5(SPEG):c.7973C>G (p.Ser2658Trp)

Genes: ASIC4-AS1 (ASIC4 antisense RNA 1; minus strand), SPEG (striated muscle enriched protein kinase; plus strand). Cytogenetic location: 2q35.
Variant type: single nucleotide variant.
Coding change: c.7973C>G on transcript NM_005876.5 (MANE Select); coding-DNA position 7973, C replaced by G.
Protein change: p.Ser2658Trp; replaces serine 2658 with tryptophan.
Molecular consequence: missense variant.
Genome position (GRCh38, 1-based): chr2:219,488,612, C>G. VCF-style: chr2-219488612-C-G. GRCh37 (hg19) VCF-style: chr2-220353334-C-G.
Other names: short protein forms S2658W.
Identifiers: ClinVar variation 1408465 (VCV001408465.6), dbSNP rs757120010, ClinGen allele CA350707566.

ClinVar aggregate classification (germline): Uncertain significance (1 of 4 stars; one submission).

Submission:

Labcorp Genetics (formerly Invitae), Labcorp
Classification: Uncertain significance. Last evaluated: 2021-10-06. Review status: criteria provided, single submitter. Criteria: Invitae Variant Classification Sherloc (09022015). Collection method: clinical testing. Allele origin: germline.
Comment: In summary, the available evidence is currently insufficient to determine the role of this variant in disease. Therefore, it has been classified as a Variant of Uncertain Significance. Algorithms developed to predict the effect of missense changes on protein structure and function are either unavailable or do not agree on the potential impact of this missense change (SIFT: "Deleterious"; PolyPhen-2: "Probably Damaging"; Align-GVGD: "Class C0"). This variant has not been reported in the literature in individuals affected with SPEG-related conditions. This variant is not present in population databases (ExAC no frequency). This sequence change replaces serine with tryptophan at codon 2658 of the SPEG protein (p.Ser2658Trp). The serine residue is highly conserved and there is a large physicochemical difference between serine and tryptophan.